The following is an entry in ClinVar:

NM_001291303.3(FAT4):c.8372A>T (p.Tyr2791Phe)

Gene: FAT4 (FAT atypical cadherin 4; plus strand). Cytogenetic location: 4q28.1.
Variant type: single nucleotide variant.
Coding change: c.8372A>T on transcript NM_001291303.3 (MANE Select); coding-DNA position 8372, A replaced by T.
Protein change: p.Tyr2791Phe; replaces tyrosine 2791 with phenylalanine.
Molecular consequence: missense variant.
Genome position (GRCh38, 1-based): chr4:125,449,382, A>T. VCF-style: chr4-125449382-A-T. GRCh37 (hg19) VCF-style: chr4-126370537-A-T.
Other names: c.8372A>T, p.Tyr2791Phe (NM_001291285.3); c.8366A>T, p.Tyr2789Phe (NM_024582.6); short protein forms Y2789F, Y2791F.
Identifiers: ClinVar variation 2837372 (VCV002837372.3), dbSNP rs2530895672, ClinGen allele CA358145899.
Genomic context (GRCh38, chr4:125,449,382, plus strand): 5'-ATGCCCCTAGGTTTTCTCAGATATTTAGTGCCCATGTTCCTGAAAATTCCCCCTTAGGAT[A>T]CACAGTTACCCGTGTCACAACTTCTGATGAAGACATTGGGATCAATGCAATTAGTAGATA-3'
Protein context (NP_001278232.1, residues 2781-2801): AHVPENSPLG[Tyr2791Phe]TVTRVTTSDE

ClinVar aggregate classification (germline): Uncertain significance (1 of 4 stars; one submission).

Allele frequency attached by ClinVar (database versions not stated): gnomAD exomes below 0.00001.
gnomAD v4.1: 1 of 1,613,784 alleles (0.000062%); highest among the groups gnomAD compares: Non-Finnish European, 0.000085%; no homozygotes.

Submission:

Labcorp Genetics (formerly Invitae), Labcorp
Classification: Uncertain significance. Last evaluated: 2023-02-14. Review status: criteria provided, single submitter. Criteria: Invitae Variant Classification Sherloc (09022015). Collection method: clinical testing. Allele origin: germline.
Comment: In summary, the available evidence is currently insufficient to determine the role of this variant in disease. Therefore, it has been classified as a Variant of Uncertain Significance. This sequence change replaces tyrosine, which is neutral and polar, with phenylalanine, which is neutral and non-polar, at codon 2789 of the FAT4 protein (p.Tyr2789Phe). This variant is not present in population databases (gnomAD no frequency). This variant has not been reported in the literature in individuals affected with FAT4-related conditions. Advanced modeling of protein sequence and biophysical properties (such as structural, functional, and spatial information, amino acid conservation, physicochemical variation, residue mobility, and thermodynamic stability) performed at Invitae indicates that this missense variant is not expected to disrupt FAT4 protein function.